The following is an entry in ClinVar:

NM_000069.3(CACNA1S):c.2805T>C (p.Thr935=)

Gene: CACNA1S (calcium voltage-gated channel subunit alpha1 S; minus strand). Cytogenetic location: 1q32.1.
Variant type: single nucleotide variant.
Coding change: c.2805T>C on transcript NM_000069.3 (MANE Select); coding-DNA position 2805, T replaced by C.
Protein change: p.Thr935=; no amino-acid change (threonine 935 retained).
Molecular consequence: synonymous variant.
Genome position (GRCh38, 1-based): chr1:201,065,886, A>G on the plus strand (T>C on the coding strand, the complement: CACNA1S is on the minus strand). VCF-style: chr1-201065886-A-G. GRCh37 (hg19) VCF-style: chr1-201035014-A-G.
Identifiers: ClinVar variation 3072539 (VCV003072539.1), dbSNP rs1661218510, ClinGen allele CA422686735.

ClinVar aggregate classification (germline): Likely benign (1 of 4 stars; one submission).

Conditions:
Malignant hyperthermia, susceptibility to, 5 (MHS5). Also called: CACNA1S-Related Malignant Hyperthermia Susceptibility. Identifiers: Orphanet 423, MedGen C1866077, MONDO:0011163, OMIM 601887.

Allele frequency attached by ClinVar (database versions not stated): gnomAD 0.00001.
gnomAD v4.1: 3 of 1,614,016 alleles (0.00019%); highest among the groups gnomAD compares: Non-Finnish European, 0.00025%; no homozygotes.

Submission:

All of Us Research Program, National Institutes of Health
Classification: Likely benign for Malignant hyperthermia, susceptibility to, 5. Last evaluated: 2023-07-22. Review status: criteria provided, single submitter. Criteria: ACMG Guidelines, 2015. Collection method: clinical testing. Allele origin: germline. Inheritance: Autosomal dominant inheritance. Observed: 1 variant allele, 1 heterozygote.
Comment: This study involves interpretation of variants in research participants for the purpose of population health screening. Participant phenotype was not available at the time of variant classification. Additional details can be found in publication PMID: 35346344, PMCID: PMC8962531